The following is an entry in ClinVar:

NM_001370259.2(MEN1):c.323del (p.Arg108fs)

Gene: MEN1 (menin 1; minus strand). Cytogenetic location: 11q13.1.
Variant type: Deletion.
Coding change: c.323del on transcript NM_001370259.2 (MANE Select); coding-DNA position 323, one base deleted (G; older notation c.323delG).
Protein change: p.Arg108fs; shifts the reading frame from arginine 108.
Molecular consequence: frameshift variant.
Genome position (GRCh38, 1-based): chr11:64,809,787, C deleted on the plus strand (G on the coding strand, the reverse complement: MEN1 is on the minus strand). VCF-style (leftmost placement, unchanged base first): chr11-64809786-TC-T. GRCh37 (hg19) VCF-style: chr11-64577258-TC-T.
Other names: c.323delG (NM_130799.2); c.323del, p.Arg108fs (NM_000244.4, NM_001370251.2, NM_001370260.2 and 9 more transcripts); short protein forms R108fs.
Identifiers: ClinVar variation 241811 (VCV000241811.8), dbSNP rs878855191, ClinGen allele CA10582946.

ClinVar aggregate classification (germline): Pathogenic (1 of 4 stars; one submission).

Conditions:
Multiple endocrine neoplasia, type 1 (MEN1). Also called: MEN I; WERMER SYNDROME; Endocrine adenomatosis multiple; MEN 1; MEA I. Identifiers: Orphanet 652, MedGen C0025267, MeSH D018761, MONDO:0007540, OMIM 131100.

Submission:

Labcorp Genetics (formerly Invitae), Labcorp
Classification: Pathogenic for Multiple endocrine neoplasia, type 1. Last evaluated: 2016-01-29. Review status: criteria provided, single submitter. Criteria: Invitae Variant Classification Sherloc (09022015). Collection method: clinical testing. Allele origin: germline.
Comment: While this particular variant has not been reported in the literature, truncating variants in MEN1 are known to be pathogenic (PMID: 17853334, 12112656). This sequence change deletes 1 nucleotide from exon 2 of the MEN1 mRNA (c.323delG), causing a frameshift at codon 108. This creates a premature translational stop signal (p.Arg108Glnfs*11) and is expected to result in an absent or disrupted protein product. For these reasons, this variant has been classified as Pathogenic.

Literature cited by the submitters: PubMed 17853334; PubMed 12112656.